The following is an entry in ClinVar:

ClinVar aggregate classification (germline): Likely benign (0 of 4 stars; one submission).

Conditions:
Polycystic kidney disease. Also called: Kidney, Polycystic; Polycystic kidney dysplasia. Identifiers: MedGen C0022680, MeSH D007690, MONDO:0020642, HP:0000113.

Allele frequency attached by ClinVar (database versions not stated): gnomAD exomes 0.00039; gnomAD 0.00467 and 0.00503; TOPMed 0.00538; 1000 Genomes Project 30x 0.00609.
gnomAD v4.1: 1,004 of 961,396 alleles (0.1%); highest among the groups gnomAD compares: African/African-American, 1.7%; 16 homozygotes.

Submission:

Department of Pathology and Laboratory Medicine, Sinai Health System
Classification: Likely benign for Polycystic Kidney disease. Review status: no assertion criteria provided. Collection method: clinical testing. Allele origin: unknown. Affected: yes. Study: The Canadian Open Genetics Repository (COGR).
Comment: The variant was also identified in dbSNP (ID: rs1016465177) as "With Likely benign allele", ClinVar (classified as likely benign by one submitter), and ADPKD Mutation Database (as likely neutral). The variant was identified in control databases in 123 of 25272 chromosomes at a frequency of 0.0049 (Genome Aggregation Database Feb 27, 2017), and observed in the following populations: African in 123 of 8194 chromosomes (freq: 0.015), European in 2 of 13610 chromosomes (freq. 0.00014), while not observed in the Other, Latino, Ashkenazi Jewish, East Asian, Finnish, and South Asian populations. The variant occurs outside of the splicing consensus sequence and in silico or computational prediction software programs (SpliceSiteFinder, MaxEntScan, NNSPLICE, GeneSplicer) do not predict a difference in splicing. In summary, based on the above information, the clinical significance of this variant cannot be determined with certainty at this time although we would lean towards a more benign role for this variant. This variant is classified as likely benign.

NM_001009944.3(PKD1):c.-67C>T

Gene: PKD1 (polycystin 1, transient receptor potential channel interacting; minus strand). Cytogenetic location: 16p13.3.
Variant type: single nucleotide variant.
Coding change: c.-67C>T on transcript NM_001009944.3 (MANE Select); 67 bases upstream of the start codon, C replaced by T.
Molecular consequence: 5 prime UTR variant.
Genome position (GRCh38, 1-based): chr16:2,135,756, G>A on the plus strand (C>T on the coding strand, the complement: PKD1 is on the minus strand). VCF-style: chr16-2135756-G-A. GRCh37 (hg19) VCF-style: chr16-2185757-G-A.
Other names: c.-67C>T (NM_000296.4).
Identifiers: ClinVar variation 433937 (VCV000433937.3), dbSNP rs1016465177, ClinGen allele CA276756688.